The following is an entry in ClinVar:

ClinVar aggregate classification (germline): Uncertain significance (1 of 4 stars; one submission).

gnomAD v4.1: 3 of 1,611,720 alleles (0.00019%); highest among the groups gnomAD compares: Admixed American, 0.0033%; no homozygotes.

Submission:

GeneDx
Classification: Uncertain significance. Last evaluated: 2024-02-26. Review status: criteria provided, single submitter. Criteria: GeneDx Variant Classification Process June 2021. Collection method: clinical testing. Allele origin: germline. Affected: yes.
Comment: Not observed at significant frequency in large population cohorts (gnomAD); Has not been previously published as pathogenic or benign to our knowledge; In silico analysis is inconclusive as to whether the variant alters gene splicing. In the absence of RNA/functional studies, the actual effect of this sequence change is unknown.

NM_152564.5(VPS13B):c.4225-3C>A

Gene: VPS13B (vacuolar protein sorting 13 homolog B; plus strand). Cytogenetic location: 8q22.2.
Variant type: single nucleotide variant.
Coding change: c.4225-3C>A on transcript NM_152564.5 (MANE Select); 3 bases into the intron before coding-DNA position 4225, C replaced by A.
Molecular consequence: intron variant.
Genome position (GRCh38, 1-based): chr8:99,511,101, C>A. VCF-style: chr8-99511101-C-A. GRCh37 (hg19) VCF-style: chr8-100523329-C-A.
Other names: c.4300-3C>A (NM_017890.5).
Identifiers: ClinVar variation 3369433 (VCV003369433.1).